The following is an entry in ClinVar:

NM_007294.4(BRCA1):c.5505A>T (p.Arg1835=)

Gene: BRCA1 (BRCA1 DNA repair associated; minus strand). Cytogenetic location: 17q21.31.
Variant type: single nucleotide variant.
Coding change: c.5505A>T on transcript NM_007294.4 (MANE Select); coding-DNA position 5505, A replaced by T.
Protein change: p.Arg1835=; no amino-acid change (arginine 1835 retained).
Molecular consequence: synonymous variant. On other transcripts: 3 prime UTR variant (17).
Genome position (GRCh38, 1-based): chr17:43,045,765, T>A on the plus strand (A>T on the coding strand, the complement: BRCA1 is on the minus strand). VCF-style: chr17-43045765-T-A. GRCh37 (hg19) VCF-style: chr17-41197782-T-A.
Other names: c.5421A>T, p.Arg1807= (NM_001407661.1, NM_001407662.1, NM_001407663.1 and 2 more transcripts); c.5382A>T, p.Arg1794= (NM_001407664.1, NM_001407665.1, NM_001407666.1 and 3 more transcripts); c.5379A>T, p.Arg1793= (NM_001407670.1, NM_001407671.1, NM_001407672.1 and 8 more transcripts); c.5376A>T, p.Arg1792= (NM_001407681.1, NM_001407682.1, NM_001407683.1 and 6 more transcripts); c.5373A>T, p.Arg1791= (NM_001407690.1, NM_001407691.1); c.5364A>T, p.Arg1788= (NM_001407692.1, NM_001407694.1, NM_001407695.1 and 12 more transcripts); c.5361A>T, p.Arg1787= (NM_001407732.1, NM_001407733.1, NM_001407734.1 and 18 more transcripts); c.5358A>T, p.Arg1786= (NM_001407838.1, NM_001407839.1, NM_001407841.1 and 12 more transcripts); and 74 more.
Identifiers: ClinVar variation 867609 (VCV000867609.3), dbSNP rs2050879074, ClinGen allele CA500142909.
Genomic context (GRCh38, chr17:43,045,765, plus strand): 5'-TATCAGGTAGGTGTCCAGCTCCTGGCACTGGTAGAGTGCTACACTGTCCAACACCCACTC[T>A]CGGGTCACCACAGGTGCCTCACACATCTGCCCAATTGCTGGAGACAGAGAACACAAGCAG-3'
Protein context (NP_009225.1, residues 1825-1845): GQMCEAPVVT[Arg1835=]EWVLDSVALY

Conditions:
Breast-ovarian cancer, familial, susceptibility to, 1 (BROVCA1). Also called: BRCA1 Hereditary Breast and Ovarian Cancer; OVARIAN CANCER, SUSCEPTIBILITY TO. Identifiers: Orphanet 145, MedGen C2676676, MONDO:0011450, OMIM 604370. Disease mechanism: loss of function.

Submission:

Brotman Baty Institute, University of Washington
No classification provided (evidence only). Condition: Breast-ovarian cancer, familial 1. Review status: no classification provided. Collection method: in vitro. Allele origin: not applicable. Functional consequence: functionally_normal.
ClinVar note: "not provided" was previously submitted as the classification for the variant. However, the classification appeared to be based only on an observation of functional data so it was converted to no classification on 2025-07-30.